The following is an entry in ClinVar:

ClinVar aggregate classification (germline): Uncertain significance (1 of 4 stars; one submission).

Conditions:
Arrhythmogenic cardiomyopathy with wooly hair and keratoderma. Also called: Carvajal syndrome; PALMOPLANTAR KERATODERMA WITH LEFT VENTRICULAR CARDIOMYOPATHY AND WOOLLY HAIR; Dilated cardiomyopathy with woolly hair and keratoderma; Arrhythmogenic cardiomyopathy with woolly hair and keratoderma. Identifiers: Orphanet 65282, MedGen C1854063, MONDO:0011581, OMIM 605676.

Submission:

All of Us Research Program, National Institutes of Health
Classification: Uncertain significance for Arrhythmogenic cardiomyopathy with wooly hair and keratoderma. Last evaluated: 2024-02-22. Review status: criteria provided, single submitter. Criteria: ACMG Guidelines, 2015. Collection method: clinical testing. Allele origin: germline. Inheritance: Autosomal dominant inheritance. Observed: 1 variant allele, 1 heterozygote.
Comment: This missense variant replaces threonine with alanine at codon 1459 of the DSP protein. Computational prediction suggests that this variant may not impact protein structure and function (internally defined REVEL score threshold <= 0.5, PMID: 27666373). To our knowledge, functional studies have not been reported for this variant. This variant has not been reported in individuals affected with DSP-related disorders in the literature. This variant has not been identified in the general population by the Genome Aggregation Database (gnomAD). The available evidence is insufficient to determine the role of this variant in disease conclusively. Therefore, this variant is classified as a Variant of Uncertain Significance.

This study involves interpretation of variants in research participants for the purpose of population health screening. Participant phenotype was not available at the time of variant classification. Additional details can be found in publication PMID: 35346344, PMCID: PMC8962531

NM_004415.4(DSP):c.4375A>G (p.Thr1459Ala)

Gene: DSP (desmoplakin; plus strand). Cytogenetic location: 6p24.3.
Variant type: single nucleotide variant.
Coding change: c.4375A>G on transcript NM_004415.4 (MANE Select); coding-DNA position 4375, A replaced by G.
Protein change: p.Thr1459Ala; replaces threonine 1459 with alanine.
Molecular consequence: missense variant. On other transcripts: intron variant (2).
Genome position (GRCh38, 1-based): chr6:7,580,565, A>G. VCF-style: chr6-7580565-A-G. GRCh37 (hg19) VCF-style: chr6-7580798-A-G.
Other names: c.4050+325A>G (NM_001319034.2); c.3582+793A>G (NM_001008844.3); short protein forms T1459A.
Identifiers: ClinVar variation 3386680 (VCV003386680.1).